The following is an entry in ClinVar:

ClinVar aggregate classification (germline): Uncertain significance. Review status: criteria provided, multiple submitters, no conflicts (2 of 4 stars). 2 submissions from 2 submitters: Uncertain significance (2). Last evaluated 2025-08-11.

Conditions:
Inborn genetic diseases. Identifiers: MedGen C0950123, MeSH D030342.
Autosomal dominant polycystic kidney disease. Identifiers: Orphanet 730, MedGen C0085413, MONDO:0004691.

Allele frequency attached by ClinVar (database versions not stated): gnomAD 0.00001; gnomAD exomes 0.00002; TOPMed 0.00002; ESP Exome Variant Server 0.00015.
gnomAD v4.1: 31 of 1,614,026 alleles (0.0019%); highest among the groups gnomAD compares: Non-Finnish European, 0.0025%; no homozygotes.

Submissions (2):

Labcorp Genetics (formerly Invitae), Labcorp
Classification: Uncertain significance for Autosomal dominant polycystic kidney disease. Last evaluated: 2025-08-11. Review status: criteria provided, single submitter. Criteria: Invitae Variant Classification Sherloc (09022015). Collection method: clinical testing. Allele origin: germline.
Comment: This sequence change replaces serine, which is neutral and polar, with asparagine, which is neutral and polar, at codon 829 of the PKD2 protein (p.Ser829Asn). This variant is not present in population databases (gnomAD no frequency). This variant has not been reported in the literature in individuals affected with PKD2-related conditions. ClinVar contains an entry for this variant (Variation ID: 1401916). Invitae Evidence Modeling of protein sequence and biophysical properties (such as structural, functional, and spatial information, amino acid conservation, physicochemical variation, residue mobility, and thermodynamic stability) indicates that this missense variant is not expected to disrupt PKD2 protein function with a negative predictive value of 80%. In summary, the available evidence is currently insufficient to determine the role of this variant in disease. Therefore, it has been classified as a Variant of Uncertain Significance.

Ambry Genetics
Classification: Uncertain significance for Inborn genetic diseases. Last evaluated: 2024-08-21. Review status: criteria provided, single submitter. Criteria: Ambry Variant Classification Scheme 2023. Collection method: clinical testing. Allele origin: germline.

NM_000297.4(PKD2):c.2486G>A (p.Ser829Asn)

Gene: PKD2 (polycystin 2, transient receptor potential cation channel; plus strand). Cytogenetic location: 4q22.1.
Variant type: single nucleotide variant.
Coding change: c.2486G>A on transcript NM_000297.4 (MANE Select); coding-DNA position 2486, G replaced by A.
Protein change: p.Ser829Asn; replaces serine 829 with asparagine.
Molecular consequence: missense variant. On other transcripts: non-coding transcript variant (1).
Genome position (GRCh38, 1-based): chr4:88,068,025, G>A. VCF-style: chr4-88068025-G-A. GRCh37 (hg19) VCF-style: chr4-88989177-G-A.
Other names: c.2486G>A (NM_000297.3); short protein forms S829N.
Identifiers: ClinVar variation 1401916 (VCV001401916.7), dbSNP rs140589899, ClinGen allele CA100886210.